The following is an entry in ClinVar:

NM_016203.4(PRKAG2):c.43T>C (p.Ser15Pro)

Gene: PRKAG2 (protein kinase AMP-activated non-catalytic subunit gamma 2; minus strand). Cytogenetic location: 7q36.1.
Variant type: single nucleotide variant.
Coding change: c.43T>C on transcript NM_016203.4 (MANE Select); coding-DNA position 43, T replaced by C.
Protein change: p.Ser15Pro; replaces serine 15 with proline.
Molecular consequence: missense variant.
Genome position (GRCh38, 1-based): chr7:151,876,578, A>G on the plus strand (T>C on the coding strand, the complement: PRKAG2 is on the minus strand). VCF-style: chr7-151876578-A-G. GRCh37 (hg19) VCF-style: chr7-151573663-A-G.
Other names: short protein forms S15P.
Identifiers: ClinVar variation 572637 (VCV000572637.8), dbSNP rs1563775284, ClinGen allele CA370071986.
Genomic context (GRCh38, chr7:151,876,578, plus strand): 5'-CGCGCAGCGAACGCCTCTTCTGGCTGGCATTTTTCTTGCCGCCGCTCCCGCCGGGGCTGG[A>G]AACATCTTTTTTCTTCTTGGTGTCCATAACCGCGCTTCCCATAACTCTAACCAGAAGTTG-3'
Protein context (NP_057287.2, residues 5-25): VMDTKKKKDV[Ser15Pro]SPGGSGGKKN

ClinVar aggregate classification (germline): Uncertain significance (1 of 4 stars; one submission).

Conditions:
Lethal congenital glycogen storage disease of heart. Also called: GLYCOGEN STORAGE DISEASE OF HEART; PHOSPHORYLASE KINASE DEFICIENCY OF HEART. Identifiers: Orphanet 439854, MedGen C1849813, MONDO:0009867, OMIM 261740.

Submission:

Labcorp Genetics (formerly Invitae), Labcorp
Classification: Uncertain significance for Lethal congenital glycogen storage disease of heart. Last evaluated: 2018-05-16. Review status: criteria provided, single submitter. Criteria: Invitae Variant Classification Sherloc (09022015). Collection method: clinical testing. Allele origin: germline.
Comment: Algorithms developed to predict the effect of missense changes on protein structure and function output the following: SIFT: "Tolerated"; PolyPhen-2: "Benign"; Align-GVGD: "Class C0". The proline amino acid residue is found in multiple mammalian species, suggesting that this missense change does not adversely affect protein function. These predictions have not been confirmed by published functional studies and their clinical significance is uncertain. In summary, the available evidence is currently insufficient to determine the role of this variant in disease. Therefore, it has been classified as a Variant of Uncertain Significance. This variant has not been reported in the literature in individuals with PRKAG2-related disease. This variant is not present in population databases (ExAC no frequency). This sequence change replaces serine with proline at codon 15 of the PRKAG2 protein (p.Ser15Pro). The serine residue is weakly conserved and there is a moderate physicochemical difference between serine and proline.